The following is an entry in ClinVar:

NM_001206998.2(ZNRF3):c.147G>T (p.Gly49=)

Gene: ZNRF3 (zinc and ring finger 3; plus strand). Cytogenetic location: 22q12.1.
Variant type: single nucleotide variant.
Coding change: c.147G>T on transcript NM_001206998.2 (MANE Select); coding-DNA position 147, G replaced by T.
Protein change: p.Gly49=; no amino-acid change (glycine 49 retained).
Molecular consequence: synonymous variant.
Genome position (GRCh38, 1-based): chr22:28,883,913, G>T. VCF-style: chr22-28883913-G-T. GRCh37 (hg19) VCF-style: chr22-29279901-G-T.
Identifiers: ClinVar variation 2672901 (VCV002672901.21), dbSNP rs2518272951, ClinGen allele CA514152149.

ClinVar aggregate classification (germline): Likely benign (1 of 4 stars; one submission).

Submission:

CeGaT Center for Human Genetics Tuebingen
Classification: Likely benign. Last evaluated: 2023-11-01. Review status: criteria provided, single submitter. Criteria: CeGaT Center For Human Genetics Tuebingen Variant Classification Criteria Version 2. Collection method: clinical testing. Allele origin: germline. Affected: yes. Observed: 1 variant allele.
Comment: ZNRF3: PM2:Supporting, BP4, BP7